The following is an entry in ClinVar:

ClinVar aggregate classification (germline): Pathogenic/Likely pathogenic. Review status: criteria provided, multiple submitters, no conflicts (2 of 4 stars). 7 submissions from 7 submitters: Pathogenic (5); Likely pathogenic (2). Last evaluated 2025-08-15.

Conditions:
DHCR7-related disorder. Also called: DHCR7-related condition.
Smith-Lemli-Opitz syndrome (SLOS). Also called: 7-Dehydrocholesterol reductase deficiency; LETHAL ACRODYSGENITAL SYNDROME; POLYDACTYLY, SEX REVERSAL, RENAL HYPOPLASIA, AND UNILOBAR LUNG; RSH SYNDROME; RUTLEDGE LETHAL MULTIPLE CONGENITAL ANOMALY SYNDROME. Identifiers: Orphanet 818, MedGen C0175694, MONDO:0010035, OMIM 270400.

Allele frequency attached by ClinVar (database versions not stated): gnomAD exomes 0.00001; TOPMed 0.00001; gnomAD 0.00003.
gnomAD v4.1: 42 of 1,614,104 alleles (0.0026%); highest among the groups gnomAD compares: Non-Finnish European, 0.0036%; no homozygotes.

Submissions (7):

Natera, Inc.
Classification: Pathogenic for Smith-Lemli-Opitz syndrome. Last evaluated: 2025-08-15. Review status: criteria provided, single submitter. Criteria: Natera Variant Classification Schema (03/2026). Collection method: clinical testing. Allele origin: germline.
Comment: The c.546G>A variant in DHCR7 is a nonsense variant predicted to introduce a stop codon at amino acid 182. This variant is expected to result in nonsense mediated decay, truncation, or a dysfunctional protein product. This variant is rare in the general population with a frequency below the threshold expected for the associated phenotype(s). This variant has been observed in one or more individuals affected with the associated recessive disease, as either homozygous or compound heterozygous with a second variant (PMID: 34930662). Given the available evidence, this variant is classified as Pathogenic.

GeneDx
Classification: Pathogenic. Last evaluated: 2025-07-06. Review status: criteria provided, single submitter. Criteria: GeneDx Variant Classification Process June 2021. Collection method: clinical testing. Allele origin: germline.
Comment: Nonsense variant predicted to result in protein truncation or nonsense mediated decay in a gene for which loss of function is a known mechanism of disease; Observed with a pathogenic variant on the opposite allele (in trans) in a patient in the published literature; the results were considered diagnostic for the patient but specific clinical information was not provided (PMID: 34930662); Not observed at significant frequency in large population cohorts (gnomAD); This variant is associated with the following publications: (PMID: 28166604, 34308104, 34930662)

Labcorp Genetics (formerly Invitae), Labcorp
Classification: Pathogenic for Smith-Lemli-Opitz syndrome. Last evaluated: 2024-02-02. Review status: criteria provided, single submitter. Criteria: Invitae Variant Classification Sherloc (09022015). Collection method: clinical testing. Allele origin: germline.
Comment: This sequence change creates a premature translational stop signal (p.Trp182*) in the DHCR7 gene. It is expected to result in an absent or disrupted protein product. Loss-of-function variants in DHCR7 are known to be pathogenic (PMID: 9634533, 10677299). This variant is present in population databases (no rsID available, gnomAD 0.002%). This variant has not been reported in the literature in individuals affected with DHCR7-related conditions. ClinVar contains an entry for this variant (Variation ID: 623647). For these reasons, this variant has been classified as Pathogenic.

Revvity Omics, Revvity
Classification: Pathogenic for Smith-Lemli-Opitz syndrome. Last evaluated: 2022-09-12. Review status: criteria provided, single submitter. Criteria: ACMG Guidelines, 2015. Collection method: clinical testing. Allele origin: germline.

Fulgent Genetics
Classification: Likely pathogenic for Smith-Lemli-Opitz syndrome. Last evaluated: 2021-11-09. Review status: criteria provided, single submitter. Criteria: ACMG Guidelines, 2015. Collection method: clinical testing. Allele origin: unknown.

Blueprint Genetics
Classification: Likely pathogenic for DHCR7-related disorders. Last evaluated: 2019-08-19. Review status: criteria provided, single submitter. Criteria: ACMG Guidelines, 2015. Collection method: clinical testing. Allele origin: germline. Affected: yes. Observed: 3 variant alleles.

HudsonAlpha Institute for Biotechnology
Classification: Pathogenic for Smith-Lemli-Opitz syndrome. Last evaluated: 2018-06-22. Review status: criteria provided, single submitter. Criteria: ACMG Guidelines, 2015. Collection method: research. Allele origin: maternal. Affected: yes. Observed: 1 variant allele. Study: CSER-SouthSeq.
Comment: ACMG codes: PVS1, PM2, PM3

Literature cited by the submitters: PubMed 34930662 (cited by Natera, Inc.); PubMed 9634533 (cited by Labcorp Genetics (formerly Invitae), Labcorp); PubMed 10677299 (cited by Labcorp Genetics (formerly Invitae), Labcorp).

NM_001360.3(DHCR7):c.546G>A (p.Trp182Ter)

Gene: DHCR7 (7-dehydrocholesterol reductase; minus strand). Cytogenetic location: 11q13.4.
Variant type: single nucleotide variant.
Coding change: c.546G>A on transcript NM_001360.3 (MANE Select); coding-DNA position 546, G replaced by A.
Protein change: p.Trp182Ter; replaces tryptophan 182 with a stop codon.
Molecular consequence: nonsense.
Genome position (GRCh38, 1-based): chr11:71,441,307, C>T on the plus strand (G>A on the coding strand, the complement: DHCR7 is on the minus strand). VCF-style: chr11-71441307-C-T. GRCh37 (hg19) VCF-style: chr11-71152353-C-T.
Other names: c.546G>A, p.Trp182Ter (NM_001163817.2); short protein forms W182*.
Identifiers: ClinVar variation 623647 (VCV000623647.19), dbSNP rs1032242817, ClinGen allele CA224279792.